The following is an entry in ClinVar:

ClinVar aggregate classification (germline): Uncertain significance. Review status: criteria provided, multiple submitters, no conflicts (2 of 4 stars). 3 submissions from 3 submitters: Uncertain significance (3). Last evaluated 2025-11-15.

Conditions:
Familial adenomatous polyposis 3. Also called: NTHL1-Related Adenomatous Polyposis and Colorectal Cancer; NTHL1-associated polyposis; NTHL1-related attenuated familial adenomatous polyposis; NTHL1 Tumor Syndrome. Identifiers: Orphanet 220460, Orphanet 454840, MedGen C4225157, MONDO:0014630, OMIM 616415.
Hereditary cancer-predisposing syndrome. Also called: Tumor predisposition; Neoplastic Syndromes, Hereditary; Hereditary Cancer Syndrome; Hereditary neoplastic syndrome. Identifiers: Orphanet 140162, MedGen C0027672, MeSH D009386, MONDO:0015356.

Allele frequency attached by ClinVar (database versions not stated): gnomAD exomes below 0.00001; TOPMed below 0.00001.
gnomAD v4.1: 1 of 1,608,128 alleles (0.000062%); highest among the groups gnomAD compares: Non-Finnish European, 0.000085%; no homozygotes.

Submissions (3):

Labcorp Genetics (formerly Invitae), Labcorp
Classification: Uncertain significance. Last evaluated: 2025-11-15. Review status: criteria provided, single submitter. Criteria: Invitae Variant Classification Sherloc (09022015). Collection method: clinical testing. Allele origin: germline.
Comment: This sequence change replaces threonine, which is neutral and polar, with isoleucine, which is neutral and non-polar, at codon 232 of the NTHL1 protein (p.Thr232Ile). This variant is not present in population databases (gnomAD no frequency). This variant has not been reported in the literature in individuals affected with NTHL1-related conditions. ClinVar contains an entry for this variant (Variation ID: 655078). An algorithm developed to predict the effect of missense changes on protein structure and function outputs the following: PolyPhen-2: "Benign". The isoleucine amino acid residue is found in multiple mammalian species, which suggests that this missense change does not adversely affect protein function. In summary, the available evidence is currently insufficient to determine the role of this variant in disease. Therefore, it has been classified as a Variant of Uncertain Significance.

Ambry Genetics
Classification: Uncertain significance for Hereditary cancer-predisposing syndrome. Last evaluated: 2024-04-09. Review status: criteria provided, single submitter. Criteria: Ambry Variant Classification Scheme 2023. Collection method: clinical testing. Allele origin: germline.
Comment: The p.T232I variant (also known as c.695C>T), located in coding exon 4 of the NTHL1 gene, results from a C to T substitution at nucleotide position 695. The threonine at codon 232 is replaced by isoleucine, an amino acid with similar properties. This amino acid position is not well conserved in available vertebrate species. In addition, this alteration is predicted to be tolerated by in silico analysis. Since supporting evidence is limited at this time, the clinical significance of this alteration remains unclear.

Baylor Genetics
Classification: Uncertain significance for Familial adenomatous polyposis 3. Last evaluated: 2024-01-27. Review status: criteria provided, single submitter. Criteria: ACMG Guidelines, 2015. Collection method: clinical testing. Allele origin: unknown.

NM_002528.7(NTHL1):c.671C>T (p.Thr224Ile)

Gene: NTHL1 (nth like DNA glycosylase 1; minus strand). Cytogenetic location: 16p13.3.
Variant type: single nucleotide variant.
Coding change: c.671C>T on transcript NM_002528.7 (MANE Select); coding-DNA position 671, C replaced by T.
Protein change: p.Thr224Ile; replaces threonine 224 with isoleucine.
Molecular consequence: missense variant.
Genome position (GRCh38, 1-based): chr16:2,043,581, G>A on the plus strand (C>T on the coding strand, the complement: NTHL1 is on the minus strand). VCF-style: chr16-2043581-G-A. GRCh37 (hg19) VCF-style: chr16-2093582-G-A.
Other names: c.671C>T, p.Thr224Ile (LRG_1366t1); c.500C>T, p.Thr167Ile (NM_001318193.2); c.341C>T, p.Thr114Ile (NM_001318194.2); short protein forms T114I, T224I, T167I.
Identifiers: ClinVar variation 655078 (VCV000655078.14), dbSNP rs1596219266, ClinGen allele CA394290899.